The following is an entry in ClinVar:

NM_032043.3(BRIP1):c.1598T>C (p.Val533Ala)

Gene: BRIP1 (BRCA1 interacting DNA helicase 1; minus strand). Cytogenetic location: 17q23.2.
Variant type: single nucleotide variant.
Coding change: c.1598T>C on transcript NM_032043.3 (MANE Select); coding-DNA position 1598, T replaced by C.
Protein change: p.Val533Ala; replaces valine 533 with alanine.
Molecular consequence: missense variant.
Genome position (GRCh38, 1-based): chr17:61,784,300, A>G on the plus strand (T>C on the coding strand, the complement: BRIP1 is on the minus strand). VCF-style: chr17-61784300-A-G. GRCh37 (hg19) VCF-style: chr17-59861661-A-G.
Other names: short protein forms V533A.
Identifiers: ClinVar variation 483203 (VCV000483203.11), dbSNP rs1555603483, ClinGen allele CA400480992.

ClinVar aggregate classification (germline): Uncertain significance. Review status: criteria provided, multiple submitters, no conflicts (2 of 4 stars). 2 submissions from 2 submitters: Uncertain significance (2). Last evaluated 2025-12-01.

Conditions:
Hereditary cancer-predisposing syndrome. Also called: Hereditary neoplastic syndrome; Tumor predisposition; Neoplastic Syndromes, Hereditary; Hereditary Cancer Syndrome. Identifiers: Orphanet 140162, MedGen C0027672, MeSH D009386, MONDO:0015356.

Submissions (2):

CeGaT Center for Human Genetics Tuebingen
Classification: Uncertain significance. Last evaluated: 2025-12-01. Review status: criteria provided, single submitter. Criteria: CeGaT Center For Human Genetics Tuebingen Variant Classification Criteria Version 2. Collection method: clinical testing. Allele origin: germline. Affected: yes. Observed: 1 variant allele.
Comment: BRIP1: PM2, BP1

Ambry Genetics
Classification: Uncertain significance for Hereditary cancer-predisposing syndrome. Last evaluated: 2024-06-11. Review status: criteria provided, single submitter. Criteria: Ambry Variant Classification Scheme 2023. Collection method: clinical testing. Allele origin: germline.
Comment: The p.V533A variant (also known as c.1598T>C), located in coding exon 10 of the BRIP1 gene, results from a T to C substitution at nucleotide position 1598. The valine at codon 533 is replaced by alanine, an amino acid with similar properties. This amino acid position is highly conserved in available vertebrate species. In addition, the in silico prediction for this alteration is inconclusive. Since supporting evidence is limited at this time, the clinical significance of this alteration remains unclear.